The following is an entry in ClinVar:

NM_000088.4(COL1A1):c.937C>A (p.Pro313Thr)

Gene: COL1A1 (collagen type I alpha 1 chain; minus strand). Cytogenetic location: 17q21.33.
Variant type: single nucleotide variant.
Coding change: c.937C>A on transcript NM_000088.4 (MANE Select); coding-DNA position 937, C replaced by A.
Protein change: p.Pro313Thr; replaces proline 313 with threonine.
Molecular consequence: missense variant.
Genome position (GRCh38, 1-based): chr17:50,196,334, G>T on the plus strand (C>A on the coding strand, the complement: COL1A1 is on the minus strand). VCF-style: chr17-50196334-G-T. GRCh37 (hg19) VCF-style: chr17-48273695-G-T.
Other names: short protein forms P313T.
Identifiers: ClinVar variation 2630276 (VCV002630276.1), dbSNP rs1054020486, ClinGen allele CA400221694.
Genomic context (GRCh38, chr17:50,196,334, plus strand): 5'-CCAGAGCTCAGGGATCCCCCAAGGGGCCAGGAGTACTTACAGCAGGGCCAGGGGCTCCAG[G>T]GCGACCTCTCTCACCAGGCAGGCCACGGGGGCCCTGACAACCAAACCAAGAGAAGTCAGA-3'
Protein context (NP_000079.2, residues 303-323): PRGLPGERGR[Pro313Thr]GAPGPAGARG

ClinVar aggregate classification (germline): Uncertain significance (1 of 4 stars; one submission).

Conditions:
COL1A1-related disorder. Also called: COL1A1- related disease; COL1A1-related condition.

gnomAD v4.1: 1 of 1,611,110 alleles (0.000062%); highest among the groups gnomAD compares: Non-Finnish European, 0.000085%; no homozygotes.

Submission:

PreventionGenetics, part of Exact Sciences
Classification: Uncertain significance for COL1A1-related condition. Last evaluated: 2023-01-24. Review status: criteria provided, single submitter. Criteria: ACMG Guidelines, 2015. Collection method: clinical testing. Allele origin: germline.
Comment: The COL1A1 c.937C>A variant is predicted to result in the amino acid substitution p.Pro313Thr. To our knowledge, this variant has not been reported in the literature or in a large population database, indicating this variant is rare. At this time, the clinical significance of this variant is uncertain due to the absence of conclusive functional and genetic evidence.